The following is an entry in ClinVar:

NM_001385012.1(NBEA):c.2706C>T (p.Ile902=)

Gene: NBEA (neurobeachin; plus strand). Cytogenetic location: 13q13.3.
Variant type: single nucleotide variant.
Coding change: c.2706C>T on transcript NM_001385012.1 (MANE Select); coding-DNA position 2706, C replaced by T.
Protein change: p.Ile902=; no amino-acid change (isoleucine 902 retained).
Molecular consequence: synonymous variant.
Genome position (GRCh38, 1-based): chr13:35,157,132, C>T. VCF-style: chr13-35157132-C-T. GRCh37 (hg19) VCF-style: chr13-35731269-C-T.
Other names: c.2706C>T, p.Ile902= (NM_001379245.1, NM_015678.5).
Identifiers: ClinVar variation 2643742 (VCV002643742.24), dbSNP rs747648851, ClinGen allele CA6946530.

ClinVar aggregate classification (germline): Likely benign (1 of 4 stars; one submission).

Allele frequency attached by ClinVar (database versions not stated): gnomAD exomes 0.00001; ExAC 0.00003.
gnomAD v4.1: 15 of 1,607,038 alleles (0.00093%); highest among the groups gnomAD compares: Non-Finnish European, 0.0012%; no homozygotes.

Submission:

CeGaT Center for Human Genetics Tuebingen
Classification: Likely benign. Last evaluated: 2025-07-01. Review status: criteria provided, single submitter. Criteria: CeGaT Center For Human Genetics Tuebingen Variant Classification Criteria Version 2. Collection method: clinical testing. Allele origin: germline. Affected: yes. Observed: 2 variant alleles.
Comment: NBEA: BP4, BP7